The following is an entry in ClinVar:

ClinVar aggregate classification (germline): Uncertain significance (1 of 4 stars; one submission).

Conditions:
Glycogen storage disease, type II (IOPD). Also called: Pompe Disease; CARDIOMEGALIA GLYCOGENICA DIFFUSA; GLYCOGENOSIS, GENERALIZED, CARDIAC FORM; GSD II; POMPE DISEASE, INFANTILE-ONSET; GLYCOGEN STORAGE DISEASE II, INFANTILE-ONSET. Identifiers: Orphanet 365, MedGen C0017921, MONDO:0009290, OMIM 232300.

Submission:

Genomenon, Inc
Classification: Uncertain significance for Glycogen storage disease, type II. Last evaluated: 2026-07-01. Review status: criteria provided, single submitter. Criteria: Genomenon Sequence Variant Interpretation Standards - Updated. Collection method: curation. Allele origin: germline. Affected: no.
Comment: GAA p.Val310Gly (c.929T>G) is a missense variant that changes the amino acid at codon 310 from Valine to Glycine. This variant has been reported in the published literature (PMID:22644586). It is absent or not present at a significant frequency in gnomAD. In silico models predict that this variant is possibly or probably damaging. In conclusion, we classify GAA p.Val310Gly (c.929T>G) as a variant of uncertain significance.

Literature cited by the submitters: PubMed 22644586.

NM_000152.5(GAA):c.929T>G (p.Val310Gly)

Gene: GAA (alpha glucosidase; plus strand). Cytogenetic location: 17q25.3.
Variant type: single nucleotide variant.
Coding change: c.929T>G on transcript NM_000152.5 (MANE Select); coding-DNA position 929, T replaced by G.
Protein change: p.Val310Gly; replaces valine 310 with glycine.
Molecular consequence: missense variant.
Genome position (GRCh38, 1-based): chr17:80,107,870, T>G. VCF-style: chr17-80107870-T-G. GRCh37 (hg19) VCF-style: chr17-78081669-T-G.
Other names: c.929T>G, p.Val310Gly (NM_001079803.3, NM_001079804.3, NM_001406741.1 and 1 more transcripts); short protein forms V310G.
Identifiers: ClinVar variation 4876285 (VCV004876285.1).